The following is an entry in ClinVar:

NM_000180.4(GUCY2D):c.937C>T (p.Arg313Cys)

Gene: GUCY2D (guanylate cyclase 2D, retinal; plus strand). Cytogenetic location: 17p13.1.
Variant type: single nucleotide variant.
Coding change: c.937C>T on transcript NM_000180.4 (MANE Select); coding-DNA position 937, C replaced by T.
Protein change: p.Arg313Cys; replaces arginine 313 with cysteine.
Molecular consequence: missense variant.
Genome position (GRCh38, 1-based): chr17:8,004,067, C>T. VCF-style: chr17-8004067-C-T. GRCh37 (hg19) VCF-style: chr17-7907385-C-T.
Other names: NM_000180.4(GUCY2D):c.937C>T; p.Arg313Cys; short protein forms R313C.
Identifiers: ClinVar variation 98611 (VCV000098611.10), dbSNP rs61749674, ClinGen allele CA226156.

ClinVar aggregate classification (germline): Likely pathogenic. Review status: reviewed by expert panel (3 of 4 stars). 6 submissions from 6 submitters: Likely pathogenic (1). 5 of the submissions do not count toward it. Last evaluated 2025-01-30.

Conditions:
GUCY2D-related recessive retinopathy. Also called: Recessive GUCY2D retinopathy. Identifiers: MedGen CN305603, MONDO:0100453.
Cone-rod dystrophy 6 (CORD6). Also called: RETINAL CONE DYSTROPHY 2; Cone dystrophy progressive. Identifiers: Orphanet 1872, MedGen C1866293, MONDO:0011143, OMIM 601777.
Leber congenital amaurosis 1 (LCA1). Also called: AMAUROSIS CONGENITA OF LEBER I; RETINAL BLINDNESS, CONGENITAL; Congenital absence of the rods and cones; Leber's congenital tapetoretinal degeneration; Leber's congenital tapetoretinal dysplasia. Identifiers: Orphanet 65, MedGen C2931258, MONDO:0008764, OMIM 204000.

Allele frequency attached by ClinVar (database versions not stated): TOPMed below 0.00001; gnomAD 0.00001; gnomAD exomes 0.00001 and 0.00002; ExAC 0.00003; 1000 Genomes Project 30x 0.00016; 1000 Genomes Project 0.00020.
gnomAD v4.1: 15 of 1,607,084 alleles (0.00093%); highest among the groups gnomAD compares: South Asian, 0.0022%; no homozygotes.

Submissions (6):

ClinGen Leber Congenital Amaurosis/early Onset Retinal Dystrophy Variant Curation Expert Panel, ClinGen
Classification: Likely pathogenic for GUCY2D-related recessive retinopathy. Last evaluated: 2025-01-30. Review status: reviewed by expert panel. Criteria: ClinGen LCAeoRD ACMG Specifications GUCY2D V1.0.0. Collection method: curation. Allele origin: germline. Inheritance: Autosomal recessive inheritance.
Comment: NM_000180.4(GUCY2D):c.937C>T (p.Arg313Cys) is a missense variant predicted to replace arginine with cysteine at position p.313. This variant is present in gnomAD v4.1.0 at a total allele frequency of 0.000009334, with 15 alleles / 1,607,084 total alleles, which is lower than the ClinGen LCA/eoRD VCEP PM2_Supporting threshold of <0.0004 (PM2_Supporting). This variant has been reported in at least 2 probands with early-onset severe retinal dystrophy who also harbored either the NM_000180.4(GUCY2D):c.1343C>A (p.Ser448Ter) variant (suspected but not confirmed in trans, PMID:10951519) or the NM_000180.4(GUCY2D):c.3078_3083dup (p.Ile1027_Leu1028dup) variant (confirmed in trans, PMID: 34048777), each which have been previously classified as either pathogenic or likely pathogenic by the LCA/eoRD VCEP (1.5 total pts, PM3). The variant has been reported to segregate with childhood-onset severe retinal dystrophy through the proband plus 1 similarly affected relative, with the variant present in the compound heterozygous state (VCEP member-provided data, PP1). At least one proband harboring this variant exhibits a phenotype including a diagnosis of Leber congenital amaurosis (0.5 pts) with onset at age 0.3 years (1 pt), genotyping by exome sequencing with no alternative cause of retinal disease identified (4 pts), poor vision with no light perception (1 pt), roving nystagmus (1 pt), attenuated vessels (0.5 pts), and extinguished electroretinogram responses from rods (0.5 pts) and cones (1 pt), which together are highly specific for GUCY2D-related recessive retinopathy (9.5 total points, PMID: 34048777, PP4_Moderate). In summary, this variant meets the criteria to be classified as likely pathogenic for GUCY2D-related recessive retinopathy based on the ACMG/AMP criteria applied, as specified by the ClinGen LCA/eoRD VCEP: PM2_Supporting, PM3, PP1, and PP4_Moderate. (VCEP specifications version 1.0.0; date of approval 01/22/2025).

Labcorp Genetics (formerly Invitae), Labcorp
Classification: Uncertain significance for Leber congenital amaurosis 1; Cone-rod dystrophy 6. Last evaluated: 2022-02-08. Review status: criteria provided, single submitter. Criteria: Invitae Variant Classification Sherloc (09022015). Collection method: clinical testing. Allele origin: germline. Not counted in ClinVar's aggregate classification.
Comment: This sequence change replaces arginine, which is basic and polar, with cysteine, which is neutral and slightly polar, at codon 313 of the GUCY2D protein (p.Arg313Cys). This variant is present in population databases (rs61749674, gnomAD 0.007%). This missense change has been observed in individuals with Leber congenital amaurosis (PMID: 10951519, 34048777; Invitae). ClinVar contains an entry for this variant (Variation ID: 98611). Algorithms developed to predict the effect of missense changes on protein structure and function (SIFT, PolyPhen-2, Align-GVGD) all suggest that this variant is likely to be disruptive. Experimental studies are conflicting or provide insufficient evidence to determine the effect of this variant on GUCY2D function (PMID: 11328726). In summary, the available evidence is currently insufficient to determine the role of this variant in disease. Therefore, it has been classified as a Variant of Uncertain Significance.

Blueprint Genetics
Classification: Uncertain significance. Last evaluated: 2021-10-18. Review status: criteria provided, single submitter. Criteria: ACMG Guidelines, 2015. Collection method: clinical testing. Allele origin: germline. Not counted in ClinVar's aggregate classification.

GeneDx
Classification: Uncertain significance. Last evaluated: 2020-04-29. Review status: criteria provided, single submitter. Criteria: GeneDx Variant Classification Process June 2021. Collection method: clinical testing. Allele origin: germline. Affected: yes. Not counted in ClinVar's aggregate classification.
Comment: In silico analysis supports that this missense variant does not alter protein structure/function; Observed with a pathogenic variant in a patient with Leber congenital amaurosis in published literature, but it is not known whether the variants occurred on the same (in cis) or on different (in trans) chromosomes (Perrault et al., 2000); This variant is associated with the following publications: (PMID: 10951519)

Laboratory of Genetics in Ophthalmology, Institut Imagine
Classification: Likely pathogenic for Leber congenital amaurosis 1. Review status: no assertion criteria provided. Collection method: research. Allele origin: inherited. Affected: yes. Observed: 1 variant allele. Not counted in ClinVar's aggregate classification.

Retina International
No classification provided. Review status: no classification provided. Collection method: not provided. Allele origin: not provided. Not counted in ClinVar's aggregate classification.

Literature cited by the submitters: PubMed 10951519 (cited by Labcorp Genetics (formerly Invitae), Labcorp and Laboratory of Genetics in Ophthalmology, Institut Imagine); PubMed 34048777 (cited by Labcorp Genetics (formerly Invitae), Labcorp); PubMed 11328726 (cited by Labcorp Genetics (formerly Invitae), Labcorp).